The following is an entry in ClinVar:

ClinVar aggregate classification (germline): Pathogenic (1 of 4 stars; one submission).

Conditions:
Baller-Gerold syndrome (BGS). Also called: CRANIOSYNOSTOSIS WITH RADIAL DEFECTS. Identifiers: Orphanet 1225, MedGen C0265308, MONDO:0009039, OMIM 218600.

Allele frequency attached by ClinVar (database versions not stated): gnomAD exomes below 0.00001.

Submission:

Labcorp Genetics (formerly Invitae), Labcorp
Classification: Pathogenic for Baller-Gerold syndrome. Last evaluated: 2023-06-02. Review status: criteria provided, single submitter. Criteria: Invitae Variant Classification Sherloc (09022015). Collection method: clinical testing. Allele origin: germline.
Comment: This variant has not been reported in the literature in individuals affected with RECQL4-related conditions. This variant is not present in population databases (gnomAD no frequency). This sequence change creates a premature translational stop signal (p.Ser611Leufs*41) in the RECQL4 gene. It is expected to result in an absent or disrupted protein product. Loss-of-function variants in RECQL4 are known to be pathogenic (PMID: 12734318, 12952869). ClinVar contains an entry for this variant (Variation ID: 2033657). For these reasons, this variant has been classified as Pathogenic.

Literature cited by the submitters: PubMed 12734318; PubMed 12952869.

NM_004260.4(RECQL4):c.1830dup (p.Ser611fs)

Gene: RECQL4 (RecQ like helicase 4; minus strand). Cytogenetic location: 8q24.3.
Variant type: Duplication.
Coding change: c.1830dup on transcript NM_004260.4 (MANE Select); coding-DNA position 1830, one base duplicated (C; older notation c.1830dupC).
Protein change: p.Ser611fs; shifts the reading frame from serine 611.
Molecular consequence: frameshift variant.
Genome position (GRCh38, 1-based): chr8:144,514,237, G duplicated on the plus strand (C on the coding strand, the reverse complement: RECQL4 is on the minus strand). VCF-style (leftmost placement, unchanged base first): chr8-144514236-A-AG. GRCh37 (hg19) VCF-style: chr8-145739620-A-AG.
Other names: c.1734dup, p.Ser579Leufs (NM_001413017.1, NM_001413020.1); c.1830dup, p.Ser611Leufs (NM_001413018.1, NM_001413036.1, NM_001413019.1); c.693dup, p.Ser232Leufs (NM_001413032.1, NM_001413041.1, NM_001413027.1 and 1 more transcripts); c.759dup, p.Ser254Leufs (NM_001413034.1, NM_001413035.1, NM_001413038.1 and 6 more transcripts); c.1800dup, p.Ser601Leufs (NM_001413039.1); c.729dup, p.Ser244Leufs (NM_001413042.1); c.363dup, p.Ser122Leufs (NM_001413043.1); c.1701dup, p.Ser568Leufs (NM_001413025.1); and 1 more; short protein forms S611fs.
Identifiers: ClinVar variation 2033657 (VCV002033657.4), dbSNP rs2538038465, ClinGen allele CA2580078778.